The following is an entry in ClinVar:

NM_000836.4(GRIN2D):c.1844G>C (p.Ser615Thr)

Gene: GRIN2D (glutamate ionotropic receptor NMDA type subunit 2D; plus strand). Cytogenetic location: 19q13.33.
Variant type: single nucleotide variant.
Coding change: c.1844G>C on transcript NM_000836.4 (MANE Select); coding-DNA position 1844, G replaced by C.
Protein change: p.Ser615Thr; replaces serine 615 with threonine.
Molecular consequence: missense variant.
Genome position (GRCh38, 1-based): chr19:48,419,342, G>C. VCF-style: chr19-48419342-G-C. GRCh37 (hg19) VCF-style: chr19-48922599-G-C.
Other names: short protein forms S615T.
Identifiers: ClinVar variation 1919786 (VCV001919786.5), dbSNP rs760446639, ClinGen allele CA9550597.

ClinVar aggregate classification (germline): Uncertain significance (1 of 4 stars; one submission).

Allele frequency attached by ClinVar (database versions not stated): TOPMed below 0.00001; gnomAD 0.00002; gnomAD exomes 0.00002; ExAC 0.00003.
gnomAD v4.1: 30 of 1,604,726 alleles (0.0019%); highest among the groups gnomAD compares: South Asian, 0.0055%; no homozygotes.

Submission:

Labcorp Genetics (formerly Invitae), Labcorp
Classification: Uncertain significance. Last evaluated: 2025-08-26. Review status: criteria provided, single submitter. Criteria: Invitae Variant Classification Sherloc (09022015). Collection method: clinical testing. Allele origin: germline.
Comment: This sequence change replaces serine, which is neutral and polar, with threonine, which is neutral and polar, at codon 615 of the GRIN2D protein (p.Ser615Thr). This variant is present in population databases (rs760446639, gnomAD 0.007%). This variant has not been reported in the literature in individuals affected with GRIN2D-related conditions. ClinVar contains an entry for this variant (Variation ID: 1919786). Invitae Evidence Modeling of protein sequence and biophysical properties (such as structural, functional, and spatial information, amino acid conservation, physicochemical variation, residue mobility, and thermodynamic stability) indicates that this missense variant is not expected to disrupt GRIN2D protein function with a negative predictive value of 80%. In summary, the available evidence is currently insufficient to determine the role of this variant in disease. Therefore, it has been classified as a Variant of Uncertain Significance.